The following is an entry in ClinVar:

NM_000593.6(TAP1):c.2017C>A (p.Leu673Met)

Gene: TAP1 (transporter 1, ATP binding cassette subfamily B member; minus strand). Cytogenetic location: 6p21.32.
Variant type: single nucleotide variant.
Coding change: c.2017C>A on transcript NM_000593.6 (MANE Select); coding-DNA position 2017, C replaced by A.
Protein change: p.Leu673Met; replaces leucine 673 with methionine.
Molecular consequence: missense variant.
Genome position (GRCh38, 1-based): chr6:32,847,091, G>T on the plus strand (C>A on the coding strand, the complement: TAP1 is on the minus strand). VCF-style: chr6-32847091-G-T. GRCh37 (hg19) VCF-style: chr6-32814868-G-T.
Other names: c.2197C>A (NM_000593.5); c.1414C>A, p.Leu472Met (NM_001292022.2); short protein forms L673M, L472M.
Identifiers: ClinVar variation 1493409 (VCV001493409.5), dbSNP rs752253839, ClinGen allele CA3746620.

ClinVar aggregate classification (germline): Uncertain significance. Review status: criteria provided, multiple submitters, no conflicts (2 of 4 stars). 2 submissions from 2 submitters: Uncertain significance (2). Last evaluated 2024-05-29.

Conditions:
Inborn genetic diseases. Identifiers: MedGen C0950123, MeSH D030342.
MHC class I deficiency. Identifiers: Orphanet 34592, MedGen C6024714, MONDO:0011476.

Allele frequency attached by ClinVar (database versions not stated): ExAC 0.00002; gnomAD exomes 0.00002.
gnomAD v4.1: 22 of 1,612,764 alleles (0.0014%); highest among the groups gnomAD compares: South Asian, 0.024%; no homozygotes.

Submissions (2):

Ambry Genetics
Classification: Uncertain significance for Inborn genetic diseases. Last evaluated: 2024-05-29. Review status: criteria provided, single submitter. Criteria: Ambry Variant Classification Scheme 2023. Collection method: clinical testing. Allele origin: germline.

Labcorp Genetics (formerly Invitae), Labcorp
Classification: Uncertain significance for MHC class I deficiency 1. Last evaluated: 2023-11-28. Review status: criteria provided, single submitter. Criteria: Invitae Variant Classification Sherloc (09022015). Collection method: clinical testing. Allele origin: germline.
Comment: This sequence change replaces leucine, which is neutral and non-polar, with methionine, which is neutral and non-polar, at codon 733 of the TAP1 protein (p.Leu733Met). This variant is present in population databases (rs752253839, gnomAD 0.02%). This variant has not been reported in the literature in individuals affected with TAP1-related conditions. ClinVar contains an entry for this variant (Variation ID: 1493409). An algorithm developed to predict the effect of missense changes on protein structure and function (PolyPhen-2) suggests that this variant is likely to be disruptive. In summary, the available evidence is currently insufficient to determine the role of this variant in disease. Therefore, it has been classified as a Variant of Uncertain Significance.